The following is an entry in ClinVar:

NM_003661.4(APOL1):c.188-14T>G

Gene: APOL1 (apolipoprotein L1; plus strand). Cytogenetic location: 22q12.3.
Variant type: single nucleotide variant.
Coding change: c.188-14T>G on transcript NM_003661.4 (MANE Select); 14 bases into the intron before coding-DNA position 188, T replaced by G.
Molecular consequence: intron variant.
Genome position (GRCh38, 1-based): chr22:36,261,582, T>G. VCF-style: chr22-36261582-T-G. GRCh37 (hg19) VCF-style: chr22-36657628-T-G.
Other names: c.236-14T>G (NM_145343.3); c.188-14T>G (NM_001136540.2); c.134-14T>G (NM_001362927.2, NM_001136541.2).
Identifiers: ClinVar variation 1165272 (VCV001165272.17), dbSNP rs136163, ClinGen allele CA10208587.

ClinVar aggregate classification (germline): Benign/Likely benign. Review status: criteria provided, multiple submitters, no conflicts (2 of 4 stars). 6 submissions from 6 submitters: Benign (5); Likely benign (1). Last evaluated 2026-02-04.

Conditions:
Focal segmental glomerulosclerosis 4, susceptibility to (FSGS4). Identifiers: Orphanet 84271, MedGen C2675525, MONDO:0012931, OMIM 612551.

Allele frequency attached by ClinVar (database versions not stated): ESP Exome Variant Server 0.84807; TOPMed 0.86007; 1000 Genomes Project 0.86382; 1000 Genomes Project 30x 0.86774.
gnomAD v4.1: 1,316,292 of 1,608,192 alleles (82%); highest among the groups gnomAD compares: African/African-American, 95%; 540,349 homozygotes.

Submissions (9):

Labcorp Genetics (formerly Invitae), Labcorp
Classification: Benign. Last evaluated: 2026-02-04. Review status: criteria provided, single submitter. Criteria: Invitae Variant Classification Sherloc (09022015). Collection method: clinical testing. Allele origin: germline.

Blueprint Genetics
Classification: Benign. Last evaluated: 2024-11-28. Review status: criteria provided, single submitter. Criteria: ACMG Guidelines, 2015. Collection method: clinical testing. Allele origin: germline.

Unidad de Genómica Garrahan, Hospital de Pediatría Garrahan
Classification: Benign. Last evaluated: 2024-07-15. Review status: criteria provided, single submitter. Criteria: ACMG Guidelines, 2015. Collection method: clinical testing. Allele origin: germline. Affected: no. Observed: 92 variant alleles.
Comment: This variant is classified as Benign based on local population frequency. This variant was detected in 99% of patients studied in a panel designed for Epileptic and Developmental Encephalopathy and Progressive Myoclonus Epilepsy. Number of patients: 92. Only high quality variants are reported.

Fulgent Genetics
Classification: Likely benign for Focal segmental glomerulosclerosis 4, susceptibility to. Last evaluated: 2021-11-20. Review status: criteria provided, single submitter. Criteria: ACMG Guidelines, 2015. Collection method: clinical testing. Allele origin: unknown.

GeneDx
Classification: Benign. Last evaluated: 2018-11-10. Review status: criteria provided, single submitter. Criteria: GeneDx Variant Classification Process June 2021. Collection method: clinical testing. Allele origin: germline. Affected: yes.

Breakthrough Genomics
Classification: Benign. Review status: criteria provided, single submitter. Criteria: ACMG Guidelines, 2015. Collection method: not provided. Allele origin: germline. Inheritance: Unknown mechanism. Affected: yes.

Dr. Peter K. Rogan Lab, Western University
No classification provided (evidence only). Condition: Familial cancer of breast. Review status: no classification provided. Collection method: in vitro. Allele origin: not applicable. Functional consequence: retained intron. Not counted in ClinVar's aggregate classification.

Dr. Peter K. Rogan Lab, Western University
No classification provided (evidence only). Condition: Hepatocellular carcinoma. Review status: no classification provided. Collection method: in vitro. Allele origin: not applicable. Functional consequence: retained intron. Not counted in ClinVar's aggregate classification.

Dr. Peter K. Rogan Lab, Western University
No classification provided (evidence only). Condition: Hepatocellular carcinoma. Review status: no classification provided. Collection method: in vitro. Allele origin: not applicable. Functional consequence: skipped exon, retained intron. Not counted in ClinVar's aggregate classification.